The following is an entry in ClinVar:

NM_000059.4(BRCA2):c.8250G>T (p.Lys2750Asn)

Gene: BRCA2 (BRCA2 DNA repair associated; plus strand). Cytogenetic location: 13q13.1.
Variant type: single nucleotide variant.
Coding change: c.8250G>T on transcript NM_000059.4 (MANE Select); coding-DNA position 8250, G replaced by T.
Protein change: p.Lys2750Asn; replaces lysine 2750 with asparagine.
Molecular consequence: missense variant.
Genome position (GRCh38, 1-based): chr13:32,363,452, G>T. VCF-style: chr13-32363452-G-T. GRCh37 (hg19) VCF-style: chr13-32937589-G-T.
Other names: c.8154G>T, p.Lys2718Asn (NM_001406719.1); c.8250G>T, p.Lys2750Asn (NM_001406720.1); c.3318G>T, p.Lys1106Asn (NM_001406721.1); c.1833G>T, p.Lys611Asn (NM_001406722.1); short protein forms K1106N, K2718N, K611N, K2750N.
Identifiers: ClinVar variation 1762630 (VCV001762630.2), dbSNP rs2137582276, ClinGen allele CA387749945.

ClinVar aggregate classification (germline): Uncertain significance (1 of 4 stars; one submission).

Conditions:
Hereditary cancer-predisposing syndrome. Also called: Neoplastic Syndromes, Hereditary; Tumor predisposition; Hereditary Cancer Syndrome; Hereditary neoplastic syndrome. Identifiers: Orphanet 140162, MedGen C0027672, MeSH D009386, MONDO:0015356.

Submission:

Ambry Genetics
Classification: Uncertain significance for Hereditary cancer-predisposing syndrome. Last evaluated: 2022-10-22. Review status: criteria provided, single submitter. Criteria: Ambry Variant Classification Scheme 2023. Collection method: clinical testing. Allele origin: germline.
Comment: The p.K2750N variant (also known as c.8250G>T), located in coding exon 17 of the BRCA2 gene, results from a G to T substitution at nucleotide position 8250. The lysine at codon 2750 is replaced by asparagine, an amino acid with similar properties. This amino acid position is conserved. In addition, this alteration is predicted to be deleterious by in silico analysis. Since supporting evidence is limited at this time, the clinical significance of this alteration remains unclear.